The following is an entry in ClinVar:

NM_000487.6(ARSA):c.1331delinsCG (p.Leu444fs)

Gene: ARSA (arylsulfatase A; minus strand). Cytogenetic location: 22q13.33.
Variant type: Indel.
Coding change: c.1331delinsCG on transcript NM_000487.6 (MANE Select); coding-DNA position 1331, T replaced by CG.
Protein change: p.Leu444fs; shifts the reading frame from leucine 444.
Molecular consequence: frameshift variant.
Genome position (GRCh38, 1-based): chr22:50,625,344, A replaced by CG on the plus strand (T replaced by CG on the coding strand, the reverse complement: ARSA is on the minus strand). VCF-style: chr22-50625344-A-CG. GRCh37 (hg19) VCF-style: chr22-51063772-A-CG.
Other names: c.1331delinsCG, p.Leu444fs (NM_001085425.3, NM_001085426.3, NM_001085427.3); c.1073delinsCG, p.Leu358fs (NM_001085428.3, NM_001362782.2); short protein forms L358fs, L444fs.
Identifiers: ClinVar variation 4818441 (VCV004818441.1).

ClinVar aggregate classification (germline): Likely pathogenic (1 of 4 stars; one submission).

Conditions:
Metachromatic leukodystrophy (MLD). Also called: ARSA DEFICIENCY; CEREBROSIDE SULFATASE DEFICIENCY; Arylsulfatase A Deficiency; METACHROMATIC LEUKOENCEPHALOPATHY; SULFATIDE LIPIDOSIS; Cerebral sclerosis diffuse metachromatic form. Identifiers: Orphanet 512, MedGen C0023522, MONDO:0018868, OMIM 250100.

Submission:

Natera, Inc.
Classification: Likely pathogenic for Metachromatic leukodystrophy. Last evaluated: 2026-01-25. Review status: criteria provided, single submitter. Criteria: Natera Variant Classification Schema (03/2026). Collection method: clinical testing. Allele origin: germline.
Comment: The c.1331delinsCG variant in ARSA is a frameshift variant predicted to elongate the protein beyond the termination codon. This variant is expected to result in nonsense mediated decay, truncation, or a dysfunctional protein product. This variant is rare in the general population with a frequency below the threshold expected for the associated phenotype(s). Given the available evidence, this variant is classified as Likely Pathogenic.